The following is an entry in ClinVar:

NM_002474.3(MYH11):c.2617A>G (p.Asn873Asp)

Gene: MYH11 (myosin heavy chain 11; minus strand). Cytogenetic location: 16p13.11.
Variant type: single nucleotide variant.
Coding change: c.2617A>G on transcript NM_002474.3 (MANE Select); coding-DNA position 2617, A replaced by G.
Protein change: p.Asn873Asp; replaces asparagine 873 with aspartic acid.
Molecular consequence: missense variant.
Genome position (GRCh38, 1-based): chr16:15,741,795, T>C on the plus strand (A>G on the coding strand, the complement: MYH11 is on the minus strand). VCF-style: chr16-15741795-T-C. GRCh37 (hg19) VCF-style: chr16-15835652-T-C.
Other names: c.2638A>G, p.Asn880Asp (NM_001040113.2, NM_001040114.2); c.2617A>G, p.Asn873Asp (NM_022844.3); short protein forms N873D, N880D.
Identifiers: ClinVar variation 3222374 (VCV003222374.1), dbSNP rs748867861, ClinGen allele CA7922220.

ClinVar aggregate classification (germline): Uncertain significance (1 of 4 stars; one submission).

Conditions:
Familial thoracic aortic aneurysm and aortic dissection (TAAD). Also called: Thoracic aortic aneurysms and dissections. Identifiers: Orphanet 91387, MedGen C4707243, MONDO:0019625.

Allele frequency attached by ClinVar (database versions not stated): gnomAD exomes below 0.00001; ExAC 0.00001.
gnomAD v4.1: 2 of 1,614,182 alleles (0.00012%); highest among the groups gnomAD compares: Non-Finnish European, 0.00017%; no homozygotes.

Submission:

Ambry Genetics
Classification: Uncertain significance for Familial thoracic aortic aneurysm and aortic dissection. Last evaluated: 2023-10-12. Review status: criteria provided, single submitter. Criteria: Ambry Variant Classification Scheme 2023. Collection method: clinical testing. Allele origin: germline.
Comment: The p.N873D variant (also known as c.2617A>G), located in coding exon 20 of the MYH11 gene, results from an A to G substitution at nucleotide position 2617. The asparagine at codon 873 is replaced by aspartic acid, an amino acid with highly similar properties. This amino acid position is conserved. In addition, this alteration is predicted to be tolerated by in silico analysis. Since supporting evidence is limited at this time, the clinical significance of this alteration remains unclear.